The following is an entry in ClinVar:

ClinVar aggregate classification (germline): Conflicting classifications of pathogenicity. Review status: criteria provided, conflicting classifications (1 of 4 stars). 2 submissions from 2 submitters: Uncertain significance (1); Likely benign (1). Last evaluated 2026-05-06.

Conditions:
Hereditary cancer-predisposing syndrome. Also called: Hereditary Cancer Syndrome; Neoplastic Syndromes, Hereditary; Tumor predisposition; Hereditary neoplastic syndrome. Identifiers: Orphanet 140162, MedGen C0027672, MeSH D009386, MONDO:0015356.
Hereditary diffuse gastric adenocarcinoma (HDGC). Also called: DIFFUSE GASTRIC AND LOBULAR BREAST CANCER SYNDROME. Identifiers: Orphanet 26106, MedGen C1708349, MONDO:0007648, OMIM 137215.

Submissions (2):

Ambry Genetics
Classification: Likely benign for Hereditary cancer-predisposing syndrome. Last evaluated: 2026-05-06. Review status: criteria provided, single submitter. Criteria: Ambry Variant Classification Scheme 2023. Collection method: clinical testing. Allele origin: germline.

Labcorp Genetics (formerly Invitae), Labcorp
Classification: Uncertain significance for Hereditary diffuse gastric adenocarcinoma. Last evaluated: 2024-03-15. Review status: criteria provided, single submitter. Criteria: Invitae Variant Classification Sherloc (09022015). Collection method: clinical testing. Allele origin: germline.
Comment: This sequence change replaces threonine, which is neutral and polar, with asparagine, which is neutral and polar, at codon 426 of the CDH1 protein (p.Thr426Asn). This variant is not present in population databases (gnomAD no frequency). This variant has not been reported in the literature in individuals affected with CDH1-related conditions. ClinVar contains an entry for this variant (Variation ID: 957036). An algorithm developed to predict the effect of missense changes on protein structure and function (PolyPhen-2) suggests that this variant is likely to be disruptive. In summary, the available evidence is currently insufficient to determine the role of this variant in disease. Therefore, it has been classified as a Variant of Uncertain Significance.

NM_004360.5(CDH1):c.1277C>A (p.Thr426Asn)

Gene: CDH1 (cadherin 1; plus strand). Cytogenetic location: 16q22.1.
Variant type: single nucleotide variant.
Coding change: c.1277C>A on transcript NM_004360.5 (MANE Select); coding-DNA position 1277, C replaced by A.
Protein change: p.Thr426Asn; replaces threonine 426 with asparagine.
Molecular consequence: missense variant. On other transcripts: 5 prime UTR variant (2), intron variant (1).
Genome position (GRCh38, 1-based): chr16:68,813,452, C>A. VCF-style: chr16-68813452-C-A. GRCh37 (hg19) VCF-style: chr16-68847355-C-A.
Other names: c.-339C>A (NM_001317185.2); c.-543C>A (NM_001317186.2); c.1137+1189C>A (NM_001317184.2); short protein forms T426N.
Identifiers: ClinVar variation 957036 (VCV000957036.13), dbSNP rs876658901, ClinGen allele CA396461712.